The following is an entry in ClinVar:

NM_022437.3(ABCG8):c.1078C>G (p.Leu360Val)

Gene: ABCG8 (ATP binding cassette subfamily G member 8; plus strand). Cytogenetic location: 2p21.
Variant type: single nucleotide variant.
Coding change: c.1078C>G on transcript NM_022437.3 (MANE Select); coding-DNA position 1078, C replaced by G.
Protein change: p.Leu360Val; replaces leucine 360 with valine.
Molecular consequence: missense variant.
Genome position (GRCh38, 1-based): chr2:43,872,089, C>G. VCF-style: chr2-43872089-C-G. GRCh37 (hg19) VCF-style: chr2-44099228-C-G.
Other names: c.1078C>G, p.Leu360Val (NM_001357321.2); short protein forms L360V.
Identifiers: ClinVar variation 2097738 (VCV002097738.4), dbSNP rs1426496898, ClinGen allele CA346668937.

ClinVar aggregate classification (germline): Uncertain significance (1 of 4 stars; one submission).

Submission:

Labcorp Genetics (formerly Invitae), Labcorp
Classification: Uncertain significance. Last evaluated: 2022-02-14. Review status: criteria provided, single submitter. Criteria: Invitae Variant Classification Sherloc (09022015). Collection method: clinical testing. Allele origin: germline.
Comment: In summary, the available evidence is currently insufficient to determine the role of this variant in disease. Therefore, it has been classified as a Variant of Uncertain Significance. Algorithms developed to predict the effect of missense changes on protein structure and function output the following: SIFT: "Tolerated"; PolyPhen-2: "Benign"; Align-GVGD: "Class C0". The valine amino acid residue is found in multiple mammalian species, which suggests that this missense change does not adversely affect protein function. This variant has not been reported in the literature in individuals affected with ABCG8-related conditions. This variant is not present in population databases (gnomAD no frequency). This sequence change replaces leucine, which is neutral and non-polar, with valine, which is neutral and non-polar, at codon 360 of the ABCG8 protein (p.Leu360Val).